The following is an entry in ClinVar:

ClinVar aggregate classification (germline): Likely benign (1 of 4 stars; one submission).

Conditions:
Catecholaminergic polymorphic ventricular tachycardia (CVPT). Also called: Catecholamine-induced polymorphic ventricular tachycardia. Identifiers: Orphanet 3286, MedGen C5574922, MONDO:0017990.

Allele frequency attached by ClinVar (database versions not stated): gnomAD exomes below 0.00001.
gnomAD v4.1: 2 of 1,613,798 alleles (0.00012%); highest among the groups gnomAD compares: Non-Finnish European, 0.00017%; no homozygotes.

Submission:

All of Us Research Program, National Institutes of Health
Classification: Likely benign for Catecholaminergic polymorphic ventricular tachycardia. Last evaluated: 2023-06-08. Review status: criteria provided, single submitter. Criteria: ACMG Guidelines, 2015. Collection method: clinical testing. Allele origin: germline. Inheritance: Autosomal dominant inheritance. Observed: 1 variant allele, 1 heterozygote.
Comment: This study involves interpretation of variants in research participants for the purpose of population health screening. Participant phenotype was not available at the time of variant classification. Additional details can be found in publication PMID: 35346344, PMCID: PMC8962531

NM_001035.3(RYR2):c.9642C>G (p.Leu3214=)

Gene: RYR2 (ryanodine receptor 2; plus strand). Cytogenetic location: 1q43.
Variant type: single nucleotide variant.
Coding change: c.9642C>G on transcript NM_001035.3 (MANE Select); coding-DNA position 9642, C replaced by G.
Protein change: p.Leu3214=; no amino-acid change (leucine 3214 retained).
Molecular consequence: synonymous variant.
Genome position (GRCh38, 1-based): chr1:237,707,010, C>G. VCF-style: chr1-237707010-C-G. GRCh37 (hg19) VCF-style: chr1-237870310-C-G.
Identifiers: ClinVar variation 3071658 (VCV003071658.1), dbSNP rs2547401489, ClinGen allele CA424031662.